The following is an entry in ClinVar:

ClinVar aggregate classification (germline): Pathogenic (1 of 4 stars; one submission).

Conditions:
Parathyroid carcinoma (PRTC). Also called: CDC73-Related Parathyroid Carcinoma; Parathyroid gland carcinoma. Identifiers: Orphanet 143, MedGen C0687150, MONDO:0012004, OMIM 608266, HP:0006780.

Submission:

Labcorp Genetics (formerly Invitae), Labcorp
Classification: Pathogenic for Parathyroid carcinoma. Last evaluated: 2016-12-26. Review status: criteria provided, single submitter. Criteria: Invitae Variant Classification Sherloc (09022015). Collection method: clinical testing. Allele origin: germline.
Comment: This sequence change deletes 2 nucleotide from exon 6 of the CDC73 mRNA (c.455_456delGA), causing a frameshift at codon 152. This creates a premature translational stop signal (p.Arg152Ilefs*16) and is expected to result in an absent or disrupted protein product. For these reasons, this variant has been classified as Pathogenic. While this particular variant has not been reported in the literature, loss-of-function variants in CDC73 are known to be pathogenic (PMID: 12434154).

Literature cited by the submitters: PubMed 12434154.

NM_024529.5(CDC73):c.455_456del (p.Arg152fs)

Gene: CDC73 (cell division cycle 73; plus strand). Cytogenetic location: 1q31.2.
Variant type: Microsatellite.
Coding change: c.455_456del on transcript NM_024529.5 (MANE Select); coding-DNA positions 455 to 456, 2 bases deleted (GA; older notation c.455_456delGA).
Protein change: p.Arg152fs; shifts the reading frame from arginine 152.
Molecular consequence: frameshift variant.
Genome position (GRCh38, 1-based): chr1:193,138,116-193,138,117, GA deleted; deleting any 2 consecutive bases within chr1:193,138,111-193,138,117 gives the same sequence; the c. name uses the placement nearest the transcript's 3' end. VCF-style (leftmost placement, unchanged base first): chr1-193138110-AAG-A. GRCh37 (hg19) VCF-style: chr1-193107240-AAG-A.
Other names: c.455_456delGA (NM_024529.4); short protein forms R152fs.
Identifiers: ClinVar variation 403892 (VCV000403892.7), dbSNP rs1060500019, ClinGen allele CA16609962.